The following is an entry in ClinVar:

ClinVar aggregate classification (germline): Pathogenic/Likely pathogenic. Review status: criteria provided, multiple submitters, no conflicts (2 of 4 stars). 5 submissions from 5 submitters: Pathogenic (3); Likely pathogenic (1). 1 of the submissions does not count toward it. Last evaluated 2024-10-04.

Conditions:
Neurodevelopmental disorder. Identifiers: MedGen C1535926, MeSH D065886, MONDO:0700092.
Rahman syndrome. Also called: HIST1H1E Syndrome. Identifiers: Orphanet 642763, MedGen C4479637, MONDO:0044323, OMIM 617537.
H1-4-related disorders.

Submissions (5):

Blueprint Genetics
Classification: Pathogenic for H1-4-related disorders. Last evaluated: 2024-10-04. Review status: criteria provided, single submitter. Criteria: ACMG Guidelines, 2015. Collection method: clinical testing. Allele origin: germline. Affected: yes. Observed: 1 variant allele.

GeneDx
Classification: Pathogenic. Last evaluated: 2024-04-23. Review status: criteria provided, single submitter. Criteria: GeneDx Variant Classification Process June 2021. Collection method: clinical testing. Allele origin: germline. Affected: yes.
Comment: Published functional studies demonstrate that this variant disrupts proper compaction of DNA and blocks cell cycle transitions (PMID: 31447100); Frameshift variant predicted to result in abnormal protein length as the last 63 amino acids are replaced with 38 different amino acids; Not observed at significant frequency in large population cohorts (gnomAD); This variant is associated with the following publications: (PMID: 31447100, 35982159, 33057194, 35904121)

Laboratory of Molecular Genetics (Pr. Bezieau's lab), CHU de Nantes
Classification: Likely pathogenic for Neurodevelopmental disorder. Last evaluated: 2020-12-10. Review status: criteria provided, single submitter. Criteria: ACMG Guidelines, 2015. Collection method: clinical testing. Allele origin: germline. Affected: yes.

Tartaglia Lab, Genetics and Rare Diseases Research Division, Bambino Gesu' Children's Hospital
Classification: Pathogenic for Rahman syndrome. Last evaluated: 2019-05-01. Review status: criteria provided, single submitter. Criteria: ACMG Guidelines, 2015. Collection method: research. Allele origin: de novo. Affected: yes.

GeneReviews
No classification provided. Condition: Rahman syndrome. Review status: no classification provided. Collection method: literature only. Allele origin: de novo. Not counted in ClinVar's aggregate classification.

Literature cited by the submitters: NCBI Bookshelf NBK564966 (cited by GeneReviews); PubMed 33270410 (cited by GeneReviews).

NM_005321.3(H1-4):c.464dup (p.Lys157fs)

Gene: H1-4 (H1.4 linker histone, cluster member; plus strand). Cytogenetic location: 6p22.2.
Variant type: Duplication.
Coding change: c.464dup on transcript NM_005321.3 (MANE Select); coding-DNA position 464, one base duplicated (C; older notation c.464dupC).
Protein change: p.Lys157fs; shifts the reading frame from lysine 157.
Molecular consequence: frameshift variant.
Genome position (GRCh38, 1-based): chr6:26,156,854, C duplicated; the last of 4 consecutive C bases (chr6:26,156,851-26,156,854); duplicating any one gives the same sequence. VCF-style (leftmost placement, unchanged base first): chr6-26156850-A-AC. GRCh37 (hg19) VCF-style: chr6-26157078-A-AC.
Other names: c.464dupC (NM_005321.2); c.464dup (NM_005321.2); short protein forms K157fs.
Identifiers: ClinVar variation 635261 (VCV000635261.7), dbSNP rs1581429554, ClinGen allele CA915944170.